The following is an entry in ClinVar:

NM_000075.4(CDK4):c.343G>A (p.Glu115Lys)

Gene: CDK4 (cyclin dependent kinase 4; minus strand). Cytogenetic location: 12q14.1.
Variant type: single nucleotide variant.
Coding change: c.343G>A on transcript NM_000075.4 (MANE Select); coding-DNA position 343, G replaced by A.
Protein change: p.Glu115Lys; replaces glutamic acid 115 with lysine.
Molecular consequence: missense variant.
Genome position (GRCh38, 1-based): chr12:57,751,218, C>T on the plus strand (G>A on the coding strand, the complement: CDK4 is on the minus strand). VCF-style: chr12-57751218-C-T. GRCh37 (hg19) VCF-style: chr12-58145001-C-T.
Other names: short protein forms E115K.
Identifiers: ClinVar variation 483298 (VCV000483298.19), dbSNP rs772938517, ClinGen allele CA6657841.

ClinVar aggregate classification (germline): Uncertain significance. Review status: criteria provided, multiple submitters, no conflicts (2 of 4 stars). 3 submissions from 3 submitters: Uncertain significance (3). Last evaluated 2025-09-19.

Conditions:
Familial melanoma. Also called: Hereditary melanoma; Hereditary cutaneous melanoma. Identifiers: Orphanet 618, MedGen C1512419, MONDO:0018961.
Hereditary cancer-predisposing syndrome. Also called: Neoplastic Syndromes, Hereditary; Tumor predisposition; Hereditary Cancer Syndrome; Hereditary neoplastic syndrome. Identifiers: Orphanet 140162, MedGen C0027672, MeSH D009386, MONDO:0015356.

Allele frequency attached by ClinVar (database versions not stated): gnomAD 0.00001; gnomAD exomes 0.00001 and 0.00002; TOPMed 0.00002; ExAC 0.00004.

Submissions (3):

Labcorp Genetics (formerly Invitae), Labcorp
Classification: Uncertain significance for Familial melanoma. Last evaluated: 2025-09-19. Review status: criteria provided, single submitter. Criteria: Invitae Variant Classification Sherloc (09022015). Collection method: clinical testing. Allele origin: germline.
Comment: This sequence change replaces glutamic acid, which is acidic and polar, with lysine, which is basic and polar, at codon 115 of the CDK4 protein (p.Glu115Lys). This variant is present in population databases (rs772938517, gnomAD 0.02%). This variant has not been reported in the literature in individuals affected with CDK4-related conditions. ClinVar contains an entry for this variant (Variation ID: 483298). Invitae Evidence Modeling of protein sequence and biophysical properties (such as structural, functional, and spatial information, amino acid conservation, physicochemical variation, residue mobility, and thermodynamic stability) indicates that this missense variant is not expected to disrupt CDK4 protein function with a negative predictive value of 95%. In summary, the available evidence is currently insufficient to determine the role of this variant in disease. Therefore, it has been classified as a Variant of Uncertain Significance.

GeneDx
Classification: Uncertain significance. Last evaluated: 2025-04-13. Review status: criteria provided, single submitter. Criteria: GeneDx Variant Classification Process June 2021. Collection method: clinical testing. Allele origin: germline. Affected: yes.
Comment: In silico analysis indicates that this missense variant does not alter protein structure/function; Has not been previously published as pathogenic or benign to our knowledge; This variant is associated with the following publications: (PMID: 27612425)

Ambry Genetics
Classification: Uncertain significance for Hereditary cancer-predisposing syndrome. Last evaluated: 2025-03-28. Review status: criteria provided, single submitter. Criteria: Ambry Variant Classification Scheme 2023. Collection method: clinical testing. Allele origin: germline.
Comment: The p.E115K variant (also known as c.343G>A), located in coding exon 2 of the CDK4 gene, results from a G to A substitution at nucleotide position 343. The glutamic acid at codon 115 is replaced by lysine, an amino acid with similar properties. This amino acid position is not well conserved in available vertebrate species. In addition, this alteration is predicted to be tolerated by in silico analysis. Since supporting evidence is limited at this time, the clinical significance of this alteration remains unclear.